The following is an entry in ClinVar:

ClinVar aggregate classification (germline): Likely benign (0 of 4 stars; one submission).

Conditions:
LRP1-related disorder. Also called: LRP1-related condition.

Allele frequency attached by ClinVar (database versions not stated): gnomAD exomes 0.00002; gnomAD 0.00003; ExAC 0.00004; TOPMed 0.00006; 1000 Genomes Project 30x 0.00031; 1000 Genomes Project 0.00040.
gnomAD v4.1: 42 of 1,582,408 alleles (0.0027%); highest among the groups gnomAD compares: East Asian, 0.07%; no homozygotes.

Submission:

PreventionGenetics, part of Exact Sciences
Classification: Likely benign for LRP1-related condition. Last evaluated: 2019-10-01. Review status: no assertion criteria provided. Collection method: clinical testing. Allele origin: germline.
Comment: This variant is classified as likely benign based on ACMG/AMP sequence variant interpretation guidelines (Richards et al. 2015 PMID: 25741868, with internal and published modifications).

NM_002332.3(LRP1):c.3762G>A (p.Leu1254=)

Gene: LRP1 (LDL receptor related protein 1; plus strand). Cytogenetic location: 12q13.3.
Variant type: single nucleotide variant.
Coding change: c.3762G>A on transcript NM_002332.3 (MANE Select); coding-DNA position 3762, G replaced by A.
Protein change: p.Leu1254=; no amino-acid change (leucine 1254 retained).
Molecular consequence: synonymous variant.
Genome position (GRCh38, 1-based): chr12:57,175,674, G>A. VCF-style: chr12-57175674-G-A. GRCh37 (hg19) VCF-style: chr12-57569457-G-A.
Identifiers: ClinVar variation 3039800 (VCV003039800.2), dbSNP rs201273876, ClinGen allele CA6643108.